The following is an entry in ClinVar:

ClinVar aggregate classification (germline): Uncertain significance (1 of 4 stars; one submission).

Allele frequency attached by ClinVar (database versions not stated): gnomAD exomes below 0.00001.
gnomAD v4.1: 2 of 1,614,018 alleles (0.00012%); highest among the groups gnomAD compares: Non-Finnish European, 0.00017%; no homozygotes.

Submission:

Labcorp Genetics (formerly Invitae), Labcorp
Classification: Uncertain significance. Last evaluated: 2024-11-11. Review status: criteria provided, single submitter. Criteria: Invitae Variant Classification Sherloc (09022015). Collection method: clinical testing. Allele origin: germline.
Comment: This sequence change replaces valine, which is neutral and non-polar, with isoleucine, which is neutral and non-polar, at codon 41 of the LIPT1 protein (p.Val41Ile). This variant is not present in population databases (gnomAD no frequency). This variant has not been reported in the literature in individuals affected with LIPT1-related conditions. ClinVar contains an entry for this variant (Variation ID: 1482113). Invitae Evidence Modeling of protein sequence and biophysical properties (such as structural, functional, and spatial information, amino acid conservation, physicochemical variation, residue mobility, and thermodynamic stability) indicates that this missense variant is not expected to disrupt LIPT1 protein function with a negative predictive value of 80%. In summary, the available evidence is currently insufficient to determine the role of this variant in disease. Therefore, it has been classified as a Variant of Uncertain Significance.

NM_145199.3(LIPT1):c.121G>A (p.Val41Ile)

Genes: LIPT1 (lipoyltransferase 1; plus strand), MITD1 (microtubule interacting and trafficking domain containing 1; minus strand). Cytogenetic location: 2q11.2.
Variant type: single nucleotide variant.
Coding change: c.121G>A on transcript NM_145199.3 (MANE Select); coding-DNA position 121, G replaced by A.
Protein change: p.Val41Ile; replaces valine 41 with isoleucine.
Molecular consequence: missense variant. On other transcripts: non-coding transcript variant (2).
Genome position (GRCh38, 1-based): chr2:99,162,078, G>A. VCF-style: chr2-99162078-G-A. GRCh37 (hg19) VCF-style: chr2-99778541-G-A.
Other names: c.121G>A, p.Val41Ile (NM_001204830.2, NM_015929.4, NM_145197.3 and 1 more transcripts); short protein forms V41I.
Identifiers: ClinVar variation 1482113 (VCV001482113.6), dbSNP rs2105198973, ClinGen allele CA347851233.